The following is an entry in ClinVar:

ClinVar aggregate classification (germline): Conflicting classifications of pathogenicity. Review status: criteria provided, conflicting classifications (1 of 4 stars). 10 submissions from 10 submitters: Uncertain significance (1); Likely benign (6). 3 of the submissions do not count toward it. Last evaluated 2026-02-02.

Conditions:
SYNJ1-related disorder. Also called: SYNJ1-related condition.
Developmental and epileptic encephalopathy, 53. Also called: Epileptic encephalopathy, early infantile, 53. Identifiers: MedGen C4479313, MONDO:0033362, OMIM 617389.
Early-onset Parkinson disease 20. Also called: PARKINSON DISEASE 20, AUTOSOMAL RECESSIVE EARLY-ONSET. Identifiers: Orphanet 391411, MedGen C3809824, MONDO:0014233, OMIM 615530.

Allele frequency attached by ClinVar (database versions not stated): 1000 Genomes Project 30x 0.00078; 1000 Genomes Project 0.00080; gnomAD exomes 0.00148 and 0.00193; ExAC 0.00152; TOPMed 0.00189; ESP Exome Variant Server 0.00192; gnomAD 0.00192 and 0.00200.
gnomAD v4.1: 3,151 of 1,612,648 alleles (0.2%); highest among the groups gnomAD compares: Non-Finnish European, 0.23%; 7 homozygotes.

Submissions (10):

Labcorp Genetics (formerly Invitae), Labcorp
Classification: Likely benign for Developmental and epileptic encephalopathy, 53; Early-onset Parkinson disease 20. Last evaluated: 2026-02-02. Review status: criteria provided, single submitter. Criteria: Invitae Variant Classification Sherloc (09022015). Collection method: clinical testing. Allele origin: germline.

CeGaT Center for Human Genetics Tuebingen
Classification: Likely benign. Last evaluated: 2026-02-01. Review status: criteria provided, single submitter. Criteria: CeGaT Center For Human Genetics Tuebingen Variant Classification Criteria Version 2. Collection method: clinical testing. Allele origin: germline. Affected: yes. Observed: 23 variant alleles.
Comment: SYNJ1: BS2

Mayo Clinic Laboratories, Mayo Clinic
Classification: Likely benign. Last evaluated: 2025-03-04. Review status: criteria provided, single submitter. Criteria: ACMG Guidelines, 2015. Collection method: clinical testing. Allele origin: germline. Observed: 2 variant alleles.
Comment: BS1, BP4

Blueprint Genetics
Classification: Uncertain significance. Last evaluated: 2024-11-26. Review status: criteria provided, single submitter. Criteria: ACMG Guidelines, 2015. Collection method: clinical testing. Allele origin: germline.

GeneDx
Classification: Likely benign. Last evaluated: 2020-09-03. Review status: criteria provided, single submitter. Criteria: GeneDx Variant Classification Process June 2021. Collection method: clinical testing. Allele origin: germline. Affected: yes.
Comment: This variant is associated with the following publications: (PMID: 27393345)

Athena Diagnostics
Classification: Likely benign. Last evaluated: 2019-03-01. Review status: criteria provided, single submitter. Criteria: Athena Diagnostics Criteria. Collection method: clinical testing. Allele origin: germline.

Breakthrough Genomics
Classification: Likely benign. Review status: criteria provided, single submitter. Criteria: ACMG Guidelines, 2015. Collection method: not provided. Allele origin: germline. Inheritance: Autosomal recessive inheritance. Affected: yes.

PreventionGenetics, part of Exact Sciences
Classification: Likely benign for SYNJ1-related condition. Last evaluated: 2023-01-04. Review status: no assertion criteria provided. Collection method: clinical testing. Allele origin: germline. Not counted in ClinVar's aggregate classification.
Comment: This variant is classified as likely benign based on ACMG/AMP sequence variant interpretation guidelines (Richards et al. 2015 PMID: 25741868, with internal and published modifications).

Clinical Genetics DNA and cytogenetics Diagnostics Lab, Erasmus MC, Erasmus Medical Center
Classification: Likely benign. Review status: no assertion criteria provided. Collection method: clinical testing. Allele origin: germline. Affected: yes. Study: VKGL Data-share Consensus. Not counted in ClinVar's aggregate classification.

Genome Diagnostics Laboratory, University Medical Center Utrecht
Classification: Likely benign. Review status: no assertion criteria provided. Collection method: clinical testing. Allele origin: germline. Affected: yes. Study: VKGL Data-share Consensus. Not counted in ClinVar's aggregate classification.

Literature cited by the submitters: PubMed 26046367 (cited by Mayo Clinic Laboratories, Mayo Clinic and Athena Diagnostics); PubMed 27393345 (cited by Mayo Clinic Laboratories, Mayo Clinic and Athena Diagnostics); PubMed 29163333 (cited by Mayo Clinic Laboratories, Mayo Clinic and Athena Diagnostics).

NM_203446.3(SYNJ1):c.3590C>T (p.Thr1197Met)

Gene: SYNJ1 (synaptojanin 1; minus strand). Cytogenetic location: 21q22.11.
Variant type: single nucleotide variant.
Coding change: c.3590C>T on transcript NM_203446.3 (MANE Select); coding-DNA position 3590, C replaced by T.
Protein change: p.Thr1197Met; replaces threonine 1197 with methionine.
Molecular consequence: missense variant.
Genome position (GRCh38, 1-based): chr21:32,639,778, G>A on the plus strand (C>T on the coding strand, the complement: SYNJ1 is on the minus strand). VCF-style: chr21-32639778-G-A. GRCh37 (hg19) VCF-style: chr21-34012088-G-A.
Other names: p.Thr1236Met; c.3542C>T, p.Thr1181Met (NM_001160302.2); c.3449C>T, p.Thr1150Met (NM_001160306.2); c.3707C>T, p.Thr1236Met (NM_003895.4); short protein forms T1236M, T1181M, T1150M, T1197M.
Identifiers: ClinVar variation 478345 (VCV000478345.59), dbSNP rs145937537, ClinGen allele CA10003314.